The following is an entry in ClinVar:

ClinVar aggregate classification (germline): Likely benign. Review status: criteria provided, single submitter (1 of 4 stars). 2 submissions from 2 submitters: Likely benign (1). 1 of the submissions does not count toward it. Last evaluated 2021-08-24.

Conditions:
EPS8-related disorder. Also called: EPS8-related condition.

Submissions (2):

GeneDx
Classification: Likely benign. Last evaluated: 2021-08-24. Review status: criteria provided, single submitter. Criteria: GeneDx Variant Classification Process June 2021. Collection method: clinical testing. Allele origin: germline. Affected: yes.

PreventionGenetics, part of Exact Sciences
Classification: Likely benign for EPS8-related condition. Last evaluated: 2019-11-21. Review status: no assertion criteria provided. Collection method: clinical testing. Allele origin: germline. Not counted in ClinVar's aggregate classification.
Comment: This variant is classified as likely benign based on ACMG/AMP sequence variant interpretation guidelines (Richards et al. 2015 PMID: 25741868, with internal and published modifications).

NM_004447.6(EPS8):c.*2TTGT[2]

Gene: EPS8 (EGFR pathway substrate 8, signaling adaptor; minus strand). Cytogenetic location: 12p12.3.
Variant type: Microsatellite.
Coding change: c.*2TTGT[2] on transcript NM_004447.6 (MANE Select); two copies in a row of the 4-base unit TTGT starting at c.*2; the reference has three copies in a row; one copy, 4 bases deleted.
Molecular consequence: 3 prime UTR variant.
Genome position (GRCh38, 1-based): chr12:15,621,304-15,621,307, ACAA deleted on the plus strand (TTGT on the coding strand, the reverse complement: EPS8 is on the minus strand); deleting any 4 consecutive bases within chr12:15,621,304-15,621,316 gives the same sequence; the position shown is the placement nearest the transcript's 3' end. VCF-style (leftmost placement, unchanged base first): chr12-15621303-TACAA-T. GRCh37 (hg19) VCF-style: chr12-15774237-TACAA-T.
Other names: c.*10_*13delTTGT (NM_004447.5).
Identifiers: ClinVar variation 1254677 (VCV001254677.4), dbSNP rs749312796, ClinGen allele CA6467246.